The following is an entry in ClinVar:

ClinVar aggregate classification (germline): Pathogenic/Likely pathogenic. Review status: criteria provided, multiple submitters, no conflicts (2 of 4 stars). 3 submissions from 3 submitters: Pathogenic (2); Likely pathogenic (1). Last evaluated 2023-11-25.

Conditions:
Inborn genetic diseases. Identifiers: MedGen C0950123, MeSH D030342.
Aspartylglucosaminuria (AGU). Also called: AGA DEFICIENCY; GLYCOASPARAGINASE; GLYCOSYLASPARAGINASE DEFICIENCY; Aspartylglucos-aminuria; Aspartylglucos-amidase (AGA) deficiency. Identifiers: Orphanet 93, MedGen C0268225, MONDO:0008830, OMIM 208400, HP:0012068.

Submissions (3):

Labcorp Genetics (formerly Invitae), Labcorp
Classification: Pathogenic for Aspartylglucosaminuria. Last evaluated: 2023-11-25. Review status: criteria provided, single submitter. Criteria: Invitae Variant Classification Sherloc (09022015). Collection method: clinical testing. Allele origin: germline.
Comment: This sequence change creates a premature translational stop signal (p.Asn110Metfs*18) in the AGA gene. It is expected to result in an absent or disrupted protein product. Loss-of-function variants in AGA are known to be pathogenic (PMID: 7627186, 11309371). This variant is present in population databases (rs764357395, gnomAD 0.0009%). This variant has not been reported in the literature in individuals affected with AGA-related conditions. ClinVar contains an entry for this variant (Variation ID: 985108). For these reasons, this variant has been classified as Pathogenic.

Baylor Genetics
Classification: Likely pathogenic for Aspartylglucosaminuria. Last evaluated: 2022-06-11. Review status: criteria provided, single submitter. Criteria: ACMG Guidelines, 2015. Collection method: clinical testing. Allele origin: unknown.

Ambry Genetics
Classification: Pathogenic for Inborn genetic diseases. Last evaluated: 2018-02-06. Review status: criteria provided, single submitter. Criteria: Ambry exome assertion method (8-5-2015). Collection method: clinical testing. Allele origin: germline. Affected: yes. Observed: 1 variant allele.

Literature cited by the submitters: PubMed 7627186 (cited by Labcorp Genetics (formerly Invitae), Labcorp); PubMed 11309371 (cited by Labcorp Genetics (formerly Invitae), Labcorp).

NM_000027.4(AGA):c.329del (p.Asn110fs)

Gene: AGA (aspartylglucosaminidase; minus strand). Cytogenetic location: 4q34.3.
Variant type: Deletion.
Coding change: c.329del on transcript NM_000027.4 (MANE Select); coding-DNA position 329, one base deleted (A; older notation c.329delA).
Protein change: p.Asn110fs; shifts the reading frame from asparagine 110.
Molecular consequence: frameshift variant. On other transcripts: non-coding transcript variant (1).
Genome position (GRCh38, 1-based): chr4:177,439,641, T deleted on the plus strand (A on the coding strand, the reverse complement: AGA is on the minus strand); the first of 5 consecutive T bases (chr4:177,439,641-177,439,645); deleting any one gives the same sequence. VCF-style (leftmost placement, unchanged base first): chr4-177439640-AT-A. GRCh37 (hg19) VCF-style: chr4-178360794-AT-A.
Other names: c.329del, p.Asn110fs (NM_001171988.2); short protein forms N110fs.
Identifiers: ClinVar variation 985108 (VCV000985108.7), dbSNP rs764357395, ClinGen allele CA3146951.